The following is an entry in ClinVar:

NM_031229.4(RBCK1):c.724_727dup (p.Glu243fs)

Gene: RBCK1 (RANBP2-type and C3HC4-type zinc finger containing 1; plus strand). Cytogenetic location: 20p13.
Variant type: Microsatellite.
Coding change: c.724_727dup on transcript NM_031229.4 (MANE Select); coding-DNA positions 724 to 727, 4 bases duplicated (GGCG; older notation c.724_727dupGGCG).
Protein change: p.Glu243fs; shifts the reading frame from glutamic acid 243.
Molecular consequence: frameshift variant. On other transcripts: non-coding transcript variant (1).
Genome position (GRCh38, 1-based): chr20:419,699-419,702, GGCG duplicated; duplicating any 4 consecutive bases within chr20:419,695-419,702 gives the same sequence; the c. name uses the placement nearest the transcript's 3' end. VCF-style (leftmost placement, unchanged base first): chr20-419694-T-TGGCG. GRCh37 (hg19) VCF-style: chr20-400338-T-TGGCG.
Other names: c.375_378dup, p.Arg127fs (NM_001323956.2, NM_001323958.2); c.598_601dup, p.Glu201fs (NM_006462.6); short protein forms R127fs, E243fs, E201fs.
Identifiers: ClinVar variation 140628 (VCV000140628.5), dbSNP rs730880329, ClinGen allele CA163462.

ClinVar aggregate classification (germline): Pathogenic. Review status: criteria provided, multiple submitters, no conflicts (2 of 4 stars). 3 submissions from 3 submitters: Pathogenic (2). 1 of the submissions does not count toward it. Last evaluated 2025-08-24.

Conditions:
Polyglucosan body myopathy 1 without immunodeficiency. Identifiers: MedGen C4017232.
Polyglucosan body myopathy type 1 (PGBM1). Also called: POLYGLUCOSAN BODY MYOPATHY WITHOUT IMMUNODEFICIENCY; Polyglucosan body myopathy 1 with or without immunodeficiency. Identifiers: Orphanet 329173, Orphanet 397937, MedGen C4014605, MONDO:0014389, OMIM 615895.

Submissions (3):

Labcorp Genetics (formerly Invitae), Labcorp
Classification: Pathogenic for Polyglucosan body myopathy type 1. Last evaluated: 2025-08-24. Review status: criteria provided, single submitter. Criteria: Invitae Variant Classification Sherloc (09022015). Collection method: clinical testing. Allele origin: germline.
Comment: This sequence change creates a premature translational stop signal (p.Glu243Glyfs*58) in the RBCK1 gene. It is expected to result in an absent or disrupted protein product. Loss-of-function variants in RBCK1 are known to be pathogenic (PMID: 2379848, 23104095, 23889995). This variant is not present in population databases (gnomAD no frequency). This premature translational stop signal has been observed in individual(s) with polyglucosan body myopathy (PMID: 23798481). In at least one individual the data is consistent with being in trans (on the opposite chromosome) from a pathogenic variant. This variant is also known as c.727_728insGGCG, p.Glu243Glyfs*114. For these reasons, this variant has been classified as Pathogenic.

Fulgent Genetics
Classification: Pathogenic for Polyglucosan body myopathy type 1. Last evaluated: 2022-05-24. Review status: criteria provided, single submitter. Criteria: ACMG Guidelines, 2015. Collection method: clinical testing. Allele origin: unknown.

OMIM
Classification: Pathogenic for POLYGLUCOSAN BODY MYOPATHY 1 WITHOUT IMMUNODEFICIENCY. Last evaluated: 2013-12-01. Review status: no assertion criteria provided. Collection method: literature only. Allele origin: germline. Not counted in ClinVar's aggregate classification.

Literature cited by the submitters: PubMed 2379848 (cited by Labcorp Genetics (formerly Invitae), Labcorp); PubMed 23104095 (cited by Labcorp Genetics (formerly Invitae), Labcorp and OMIM); PubMed 23889995 (cited by Labcorp Genetics (formerly Invitae), Labcorp); PubMed 23798481 (cited by Labcorp Genetics (formerly Invitae), Labcorp and OMIM).